The following is an entry in ClinVar:

NM_024753.5(TTC21B):c.1546C>T (p.Gln516Ter)

Gene: TTC21B (tetratricopeptide repeat domain 21B; minus strand). Cytogenetic location: 2q24.3.
Variant type: single nucleotide variant.
Coding change: c.1546C>T on transcript NM_024753.5 (MANE Select); coding-DNA position 1546, C replaced by T.
Protein change: p.Gln516Ter; replaces glutamine 516 with a stop codon.
Molecular consequence: nonsense.
Genome position (GRCh38, 1-based): chr2:165,919,404, G>A on the plus strand (C>T on the coding strand, the complement: TTC21B is on the minus strand). VCF-style: chr2-165919404-G-A. GRCh37 (hg19) VCF-style: chr2-166775914-G-A.
Other names: short protein forms Q516*.
Identifiers: ClinVar variation 1070283 (VCV001070283.11), dbSNP rs779134983, ClinGen allele CA1942086.
Genomic context (GRCh38, chr2:165,919,404, plus strand): 5'-AAACCTGAGCTAGCAGCAGATGAGCATCAGCATAAGAGGGATTGTGTTCTAAGCAGTGCT[G>A]AAGGTTATTGAAAGCTGCTTCAATATCACCTAATAAGAAAAACAATGCATTGTTATAATT-3'

ClinVar aggregate classification (germline): Pathogenic/Likely pathogenic. Review status: criteria provided, multiple submitters, no conflicts (2 of 4 stars). 3 submissions from 3 submitters: Pathogenic (1); Likely pathogenic (2). Last evaluated 2026-08-06.

Conditions:
Nephronophthisis 12 (NPHP12). Identifiers: Orphanet 655, MedGen C3151186, MONDO:0013442, OMIM 613820.
Asphyxiating thoracic dystrophy 4 (SRTD4). Also called: SHORT-RIB THORACIC DYSPLASIA 4 WITH OR WITHOUT POLYDACTYLY; SHORT-RIB THORACIC DYSPLASIA 4. Identifiers: Orphanet 474, MedGen C3151185, MONDO:0013441, OMIM 613819.
Jeune thoracic dystrophy. Also called: Jeune syndrome; Infantile thoracic dystrophy; Thoracic pelvic phalangeal dystrophy; Jeune's syndrome; Chondroectodermal dysplasia-like syndrome; Short-rib thoracic dysplasia. Identifiers: Orphanet 474, MedGen C0265275, MONDO:0018770.
Nephronophthisis. Also called: Juvenile Nephronophthisis. Identifiers: Orphanet 655, MedGen C0687120, MONDO:0019005, HP:0000090.

Allele frequency attached by ClinVar (database versions not stated): ExAC 0.00001; TOPMed 0.00002; gnomAD 0.00001; gnomAD exomes 0.00001 and 0.00002.
gnomAD v4.1: 8 of 1,613,944 alleles (0.0005%); highest among the groups gnomAD compares: Admixed American, 0.0083%; no homozygotes.

Submissions (3):

OLLIN Analises Genomicas, OLLIN
Classification: Likely pathogenic for Asphyxiating thoracic dystrophy 4. Last evaluated: 2026-08-06. Review status: criteria provided, single submitter. Criteria: ACMG Guidelines 2015 PMID 25741868. Collection method: clinical testing. Allele origin: germline. Inheritance: Autosomal dominant inheritance.
Comment: This nonsense variant, located in exon 13 (of 29), has been reported in ClinVar (accession VCV001070283.10) and in gnomAD with an allele frequency of 0.0005%. However, to our knowledge, it has not been reported in the scientific literature. This variant introduces a premature stop codon, which is predicted to result in either a truncated protein or degradation of the mRNA via nonsense-mediated decay (NMD). According to the currently available evidence, this variant has been classified as likely pathogenic (PVS1, PM2_P).

Labcorp Genetics (formerly Invitae), Labcorp
Classification: Pathogenic for Jeune thoracic dystrophy; Nephronophthisis. Last evaluated: 2025-03-18. Review status: criteria provided, single submitter. Criteria: Invitae Variant Classification Sherloc (09022015). Collection method: clinical testing. Allele origin: germline.
Comment: This sequence change creates a premature translational stop signal (p.Gln516*) in the TTC21B gene. It is expected to result in an absent or disrupted protein product. Loss-of-function variants in TTC21B are known to be pathogenic (PMID: 18327258, 21068128, 21258341, 23559409, 24876116, 25492405, 27491411, 29068549). This variant is present in population databases (rs779134983, gnomAD 0.009%). This variant has not been reported in the literature in individuals affected with TTC21B-related conditions. ClinVar contains an entry for this variant (Variation ID: 1070283). For these reasons, this variant has been classified as Pathogenic.

Fulgent Genetics
Classification: Likely pathogenic for Asphyxiating thoracic dystrophy 4; Nephronophthisis 12. Last evaluated: 2023-12-26. Review status: criteria provided, single submitter. Criteria: ACMG Guidelines, 2015. Collection method: clinical testing. Allele origin: germline.

Literature cited by the submitters: PubMed 18327258 (cited by Labcorp Genetics (formerly Invitae), Labcorp); PubMed 21068128 (cited by Labcorp Genetics (formerly Invitae), Labcorp); PubMed 21258341 (cited by Labcorp Genetics (formerly Invitae), Labcorp); PubMed 23559409 (cited by Labcorp Genetics (formerly Invitae), Labcorp); PubMed 24876116 (cited by Labcorp Genetics (formerly Invitae), Labcorp); PubMed 25492405 (cited by Labcorp Genetics (formerly Invitae), Labcorp); PubMed 27491411 (cited by Labcorp Genetics (formerly Invitae), Labcorp); PubMed 29068549 (cited by Labcorp Genetics (formerly Invitae), Labcorp).